The following is an entry in ClinVar:

ClinVar aggregate classification (germline): Conflicting classifications of pathogenicity. Review status: criteria provided, conflicting classifications (1 of 4 stars). 2 submissions from 2 submitters: Uncertain significance (1); Likely benign (1). Last evaluated 2026-02-04.

Conditions:
Inborn genetic diseases. Identifiers: MedGen C0950123, MeSH D030342.

Allele frequency attached by ClinVar (database versions not stated): gnomAD exomes 0.00001; ExAC 0.00002; gnomAD 0.00013; 1000 Genomes Project 30x 0.00016; 1000 Genomes Project 0.00020; TOPMed 0.00021.
gnomAD v4.1: 37 of 1,613,806 alleles (0.0023%); highest among the groups gnomAD compares: Admixed American, 0.04%; no homozygotes.

Submissions (2):

Women's Health and Genetics/Laboratory Corporation of America, LabCorp
Classification: Likely benign. Last evaluated: 2026-02-04. Review status: criteria provided, single submitter. Criteria: LabCorp Variant Classification Summary - May 2015. Collection method: clinical testing. Allele origin: germline.
Comment: Variant summary: ATAD3A c.1259G>A (p.Arg420Gln) results in a conservative amino acid change in the encoded protein sequence. Algorithms developed to predict the effect of missense changes on protein structure and function are either unavailable or do not agree on the potential impact of this missense change. The variant allele was found at a frequency of 2.3e-05 in 1606834 control chromosomes in the gnomAD database (v4.1 dataset). The observed variant frequency exceeds the estimated maximal expected allele frequency for disease-causing variants in ATAD3A. To our knowledge, no occurrence of c.1259G>A in individuals affected with ATAD3A-related conditions and no experimental evidence demonstrating its impact on protein function have been reported. ClinVar contains an entry for this variant (Variation ID: 3130681). Based on the evidence outlined above, the variant was classified as likely benign.

Ambry Genetics
Classification: Uncertain significance for Inborn genetic diseases. Last evaluated: 2021-11-19. Review status: criteria provided, single submitter. Criteria: Ambry Variant Classification Scheme 2023. Collection method: clinical testing. Allele origin: germline.

NM_001170535.3(ATAD3A):c.1259G>A (p.Arg420Gln)

Gene: ATAD3A (ATPase family AAA domain containing 3A; plus strand). Cytogenetic location: 1p36.33.
Variant type: single nucleotide variant.
Coding change: c.1259G>A on transcript NM_001170535.3 (MANE Select); coding-DNA position 1259, G replaced by A.
Protein change: p.Arg420Gln; replaces arginine 420 with glutamine.
Molecular consequence: missense variant.
Genome position (GRCh38, 1-based): chr1:1,525,284, G>A. VCF-style: chr1-1525284-G-A. GRCh37 (hg19) VCF-style: chr1-1460664-G-A.
Other names: c.1022G>A, p.Arg341Gln (NM_001170536.3); c.1403G>A, p.Arg468Gln (NM_018188.5); short protein forms R341Q, R420Q, R468Q.
Identifiers: ClinVar variation 3130681 (VCV003130681.2), dbSNP rs559935599, ClinGen allele CA526291.